The following is an entry in ClinVar:

NM_024685.4(BBS10):c.1912T>C (p.Leu638=)

Gene: BBS10 (Bardet-Biedl syndrome 10; minus strand). Cytogenetic location: 12q21.2.
Variant type: single nucleotide variant.
Coding change: c.1912T>C on transcript NM_024685.4 (MANE Select); coding-DNA position 1912, T replaced by C.
Protein change: p.Leu638=; no amino-acid change (leucine 638 retained).
Molecular consequence: synonymous variant.
Genome position (GRCh38, 1-based): chr12:76,346,073, A>G on the plus strand (T>C on the coding strand, the complement: BBS10 is on the minus strand). VCF-style: chr12-76346073-A-G. GRCh37 (hg19) VCF-style: chr12-76739853-A-G.
Other names: c.1912T>C (NM_024685.3).
Identifiers: ClinVar variation 2981404 (VCV002981404.4), dbSNP rs1307081148, ClinGen allele CA481011136.
Genomic context (GRCh38, chr12:76,346,073, plus strand): 5'-ATGTATGTGGAAAGCTGTACTTTCCTGTTTTAGATTTATAAAGGACTTTGGGAATGCCTA[A>G]AAGTGCATTAGCTATTATCATACTAACCATGGTTTCTTCTGATTGATGGCATTTTTTGGC-3'
Protein context (NP_078961.3, residues 628-648): MVSMIIANAL[Leu638=]GIPKVLYKSK

ClinVar aggregate classification (germline): Likely benign. Review status: criteria provided, single submitter (1 of 4 stars). 2 submissions from 2 submitters: Likely benign (1). 1 of the submissions does not count toward it. Last evaluated 2023-07-07.

Conditions:
BBS10-related disorder. Also called: BBS10-related condition.
Bardet-Biedl syndrome (BBS). Identifiers: Orphanet 110, MedGen C0752166, MONDO:0015229.

gnomAD v4.1: 1 of 1,613,608 alleles (0.000062%); no homozygotes.

Submissions (2):

Labcorp Genetics (formerly Invitae), Labcorp
Classification: Likely benign for Bardet-Biedl syndrome. Last evaluated: 2023-07-07. Review status: criteria provided, single submitter. Criteria: Invitae Variant Classification Sherloc (09022015). Collection method: clinical testing. Allele origin: germline.

PreventionGenetics, part of Exact Sciences
Classification: Likely benign for BBS10-related condition. Last evaluated: 2024-05-10. Review status: no assertion criteria provided. Collection method: clinical testing. Allele origin: germline. Not counted in ClinVar's aggregate classification.
Comment: This variant is classified as likely benign based on ACMG/AMP sequence variant interpretation guidelines (Richards et al. 2015 PMID: 25741868, with internal and published modifications).